The following is an entry in ClinVar:

NC_000002.11:g.(178362494_178364345)_(178372760_178378546)del

Gene: AGPS (alkylglycerone phosphate synthase; plus strand). Cytogenetic location: 2q31.2.
Variant type: Deletion.
Identifiers: ClinVar variation 3366567 (VCV003366567.1).

ClinVar aggregate classification (germline): Pathogenic (1 of 4 stars; one submission).

Conditions:
Rhizomelic chondrodysplasia punctata (RCDP). Identifiers: Orphanet 177, MedGen C0282529, MONDO:0015776. Disease mechanism: loss of function.

Submission:

Women's Health and Genetics/Laboratory Corporation of America, LabCorp
Classification: Pathogenic for Rhizomelic chondrodysplasia punctata. Last evaluated: 2024-08-27. Review status: criteria provided, single submitter. Criteria: LabCorp Variant Classification Summary - May 2015. Collection method: clinical testing. Allele origin: germline.
Comment: Variant summary: The variant involves the deletion of exons 14-16 in the AGPS gene. A presumed nomenclature of c.(1362+1_1363-1)_(1607+1_1608-1)del has been designated for the purposes of this classification. This Copy Number Variant (CNV) is expected to alter the reading frame and predicted to result in a truncation or absence of the encoded protein due to nonsense mediated decay (NMD). The variant was absent in 21694 control chromosomes. To our knowledge, no occurrence of c.(1362+1_1363-1)_(1607+1_1608-1)del in individuals affected with Rhizomelic Chondrodysplasia Punctata and no experimental evidence demonstrating its impact on protein function have been reported. No submitters have cited clinical-significance assessments for this variant to ClinVar. Based on the evidence outlined above, the variant was classified as pathogenic.